The following is an entry in ClinVar:

NM_000384.3(APOB):c.10124A>G (p.Asp3375Gly)

Gene: APOB (apolipoprotein B; minus strand). Cytogenetic location: 2p24.1.
Variant type: single nucleotide variant.
Coding change: c.10124A>G on transcript NM_000384.3 (MANE Select); coding-DNA position 10124, A replaced by G.
Protein change: p.Asp3375Gly; replaces aspartic acid 3375 with glycine.
Molecular consequence: missense variant.
Genome position (GRCh38, 1-based): chr2:21,006,744, T>C on the plus strand (A>G on the coding strand, the complement: APOB is on the minus strand). VCF-style: chr2-21006744-T-C. GRCh37 (hg19) VCF-style: chr2-21229616-T-C.
Other names: short protein forms D3375G.
Identifiers: ClinVar variation 4795093 (VCV004795093.1).
Genomic context (GRCh38, chr2:21,006,744, plus strand): 5'-AACTTCAATCCCCTTTTTCTTGTCAATCTTGTGGTGCCCTCTAATTTGTACTGCAGTGCA[T>C]CAATGACAGATGAAGATGAAGAAAGGAGATGAGCAACAATATCTGACTGGTTAAAAAGTT-3'
Protein context (NP_000375.3, residues 3365-3385): HLLSSSSSVI[Asp3375Gly]ALQYKLEGTT

ClinVar aggregate classification (germline): Uncertain significance (1 of 4 stars; one submission).

Conditions:
Familial hypobetalipoproteinemia 1. Also called: Hypobetalipoproteinemia, normotriglyceridemic; Acanthocytosis with hypobetalipoproteinemia; APOB-Related Familial Hypobetalipoproteinemia. Identifiers: MedGen C4551990, MONDO:0014252, OMIM 615558.
Hypercholesterolemia, autosomal dominant, type B (FHCL2). Also called: Familial Hypercholesterolemia Type B; APOLIPOPROTEIN B-100, FAMILIAL DEFECTIVE; APOLIPOPROTEIN B-100, FAMILIAL LIGAND-DEFECTIVE; HYPERCHOLESTEROLEMIA, FAMILIAL, DUE TO LIGAND-DEFECTIVE APOLIPOPROTEIN B; APOB-Related Familial Hypercholesterolemia, Autosomal Dominant; Hyperlipoproteinemia Type IIb. Identifiers: MedGen C1704417, MONDO:0007751, OMIM 144010.

gnomAD v4.1: 1 of 1,614,068 alleles (0.000062%); no homozygotes.

Submission:

Labcorp Genetics (formerly Invitae), Labcorp
Classification: Uncertain significance for Familial hypobetalipoproteinemia 1; Hypercholesterolemia, autosomal dominant, type B. Last evaluated: 2025-07-16. Review status: criteria provided, single submitter. Criteria: Invitae Variant Classification Sherloc (09022015). Collection method: clinical testing. Allele origin: germline.
Comment: This sequence change replaces aspartic acid, which is acidic and polar, with glycine, which is neutral and non-polar, at codon 3375 of the APOB protein (p.Asp3375Gly). This variant is not present in population databases (gnomAD no frequency). This variant has not been reported in the literature in individuals affected with APOB-related conditions. Invitae Evidence Modeling of protein sequence and biophysical properties (such as structural, functional, and spatial information, amino acid conservation, physicochemical variation, residue mobility, and thermodynamic stability) indicates that this missense variant is not expected to disrupt APOB protein function with a negative predictive value of 95%. In summary, the available evidence is currently insufficient to determine the role of this variant in disease. Therefore, it has been classified as a Variant of Uncertain Significance.